The following is an entry in ClinVar:

NM_032119.4(ADGRV1):c.1054C>A (p.Pro352Thr)

Gene: ADGRV1 (adhesion G protein-coupled receptor V1; plus strand). Cytogenetic location: 5q14.3.
Variant type: single nucleotide variant.
Coding change: c.1054C>A on transcript NM_032119.4 (MANE Select); coding-DNA position 1054, C replaced by A.
Protein change: p.Pro352Thr; replaces proline 352 with threonine.
Molecular consequence: missense variant. On other transcripts: non-coding transcript variant (1).
Genome position (GRCh38, 1-based): chr5:90,627,592, C>A. VCF-style: chr5-90627592-C-A. GRCh37 (hg19) VCF-style: chr5-89923409-C-A.
Other names: short protein forms P352T.
Identifiers: ClinVar variation 1487844 (VCV001487844.9), dbSNP rs755371825, ClinGen allele CA3338602.

ClinVar aggregate classification (germline): Pathogenic/Likely pathogenic. Review status: criteria provided, multiple submitters, no conflicts (2 of 4 stars). 4 submissions from 4 submitters: Pathogenic (2); Likely pathogenic (1). 1 of the submissions does not count toward it. Last evaluated 2026-01-22.

Conditions:
Monogenic hearing loss.
ADGRV1-related disorder. Also called: ADGRV1-related condition; ADGRV1-related disorders.

Allele frequency attached by ClinVar (database versions not stated): ExAC 0.00002; TOPMed 0.00002; gnomAD 0.00001; gnomAD exomes 0.00002.
gnomAD v4.1: 24 of 1,613,724 alleles (0.0015%); highest among the groups gnomAD compares: Non-Finnish European, 0.0019%; no homozygotes.

Submissions (4):

Labcorp Genetics (formerly Invitae), Labcorp
Classification: Pathogenic. Last evaluated: 2026-01-22. Review status: criteria provided, single submitter. Criteria: Invitae Variant Classification Sherloc (09022015). Collection method: clinical testing. Allele origin: germline.
Comment: This sequence change replaces proline, which is neutral and non-polar, with threonine, which is neutral and polar, at codon 352 of the ADGRV1 protein (p.Pro352Thr). This variant is present in population databases (rs755371825, gnomAD 0.005%). This missense change has been observed in individual(s) with deafness (PMID: 28951997). In at least one individual the data is consistent with being in trans (on the opposite chromosome) from a pathogenic variant. It has also been observed to segregate with disease in related individuals. ClinVar contains an entry for this variant (Variation ID: 1487844). An algorithm developed to predict the effect of missense changes on protein structure and function (PolyPhen-2) suggests that this variant is likely to be disruptive. This variant disrupts the p.Pro352 amino acid residue in ADGRV1. Other variant(s) that disrupt this residue have been observed in individuals with ADGRV1-related conditions (PMID: 28951997, 30303587), which suggests that this may be a clinically significant amino acid residue. For these reasons, this variant has been classified as Pathogenic.

Blueprint Genetics
Classification: Pathogenic for ADGRV1-related disorders. Last evaluated: 2024-10-14. Review status: criteria provided, single submitter. Criteria: ACMG Guidelines, 2015. Collection method: clinical testing. Allele origin: germline. Affected: yes. Observed: 5 variant alleles.

Women's Health and Genetics/Laboratory Corporation of America, LabCorp
Classification: Likely pathogenic for ADGRV1-Related Disorders. Last evaluated: 2024-05-01. Review status: criteria provided, single submitter. Criteria: LabCorp Variant Classification Summary - May 2015. Collection method: clinical testing. Allele origin: germline.
Comment: Variant summary: ADGRV1 c.1054C>A (p.Pro352Thr) results in a non-conservative amino acid change located in the Na-Ca exchanger/integrin-beta4 domain (IPR003644) of the encoded protein sequence. Four of five in-silico tools predict a damaging effect of the variant on protein function. The variant allele was found at a frequency of 2.4e-05 in 249110 control chromosomes. c.1054C>A has been reported in the literature in compound heterozygous individuals affected with Usher syndrome (e.g. Bousfiha_2017). These data indicate that the variant may be associated with disease. To our knowledge, no experimental evidence demonstrating an impact on protein function has been reported. A different variant located at the same codon (c.1055C>T, p.Pro352Leu) has been classified as pathogenic in ClinVar (ID:562081), supporting a critical relevance of this residue to ADGRV1 protein function. The following publication has been ascertained in the context of this evaluation (PMID: 28951997). ClinVar contains an entry for this variant (Variation ID: 1487844). Based on the evidence outlined above, the variant was classified as likely pathogenic.

Genetics Laboratory, Great Ormond Street Hospital NHS Foundation Trust, North Thames Genomic Laboratory Hub
Classification: Uncertain significance for Monogenic hearing loss. Last evaluated: 2025-09-18. Review status: flagged submission. Criteria: ACGS Best Practice Guidelines for Variant Classification in Rare Disease 2024 v1.2. Collection method: clinical testing. Allele origin: germline. Affected: yes. Not counted in ClinVar's aggregate classification.
Comment: PM2_moderate, PM3_moderate
ClinVar note: Reason: Claim with insufficient supporting evidence

Literature cited by the submitters: PubMed 28951997 (cited by Labcorp Genetics (formerly Invitae), Labcorp and Women's Health and Genetics/Laboratory Corporation of America, LabCorp); PubMed 30303587 (cited by Labcorp Genetics (formerly Invitae), Labcorp).